The following is an entry in ClinVar:

NM_000548.5(TSC2):c.2308C>T (p.Leu770=)

Gene: TSC2 (TSC complex subunit 2; plus strand). Cytogenetic location: 16p13.3.
Variant type: single nucleotide variant.
Coding change: c.2308C>T on transcript NM_000548.5 (MANE Select); coding-DNA position 2308, C replaced by T.
Protein change: p.Leu770=; no amino-acid change (leucine 770 retained).
Molecular consequence: synonymous variant.
Genome position (GRCh38, 1-based): chr16:2,072,936, C>T. VCF-style: chr16-2072936-C-T. GRCh37 (hg19) VCF-style: chr16-2122937-C-T.
Other names: c.2308C>T, p.Leu770= (NM_001077183.3, NM_001114382.3, NM_001363528.2 and 3 more transcripts); c.2197C>T, p.Leu733= (NM_001318827.2); c.2161C>T, p.Leu721= (NM_001318829.2); c.1708C>T, p.Leu570= (NM_001318831.2); c.2341C>T, p.Leu781= (NM_001318832.2).
Identifiers: ClinVar variation 467934 (VCV000467934.18), dbSNP rs762215859, ClinGen allele CA038338.

ClinVar aggregate classification (germline): Benign/Likely benign. Review status: criteria provided, multiple submitters, no conflicts (2 of 4 stars). 4 submissions from 4 submitters: Benign (2); Likely benign (2). Last evaluated 2025-05-19.

Conditions:
Hereditary cancer-predisposing syndrome. Also called: Hereditary neoplastic syndrome; Neoplastic Syndromes, Hereditary; Tumor predisposition; Hereditary Cancer Syndrome. Identifiers: Orphanet 140162, MedGen C0027672, MeSH D009386, MONDO:0015356.
Tuberous sclerosis 2 (TSC2). Identifiers: Orphanet 805, MedGen C1860707, MONDO:0013199, OMIM 613254.

Allele frequency attached by ClinVar (database versions not stated): gnomAD exomes below 0.00001; TOPMed below 0.00001; ExAC 0.00001; gnomAD 0.00001.
gnomAD v4.1: 3 of 1,613,530 alleles (0.00019%); highest among the groups gnomAD compares: African/African-American, 0.0027%; no homozygotes.

Submissions (4):

Myriad Genetics, Inc.
Classification: Benign for Tuberous sclerosis 2. Last evaluated: 2025-05-19. Review status: criteria provided, single submitter. Criteria: Myriad Autosomal Dominant, Autosomal Recessive and X-Linked Classification Criteria (2023). Collection method: clinical testing. Allele origin: unknown.
Comment: This variant is considered benign. This variant is a silent/synonymous amino acid change and it is not expected to impact splicing.

Labcorp Genetics (formerly Invitae), Labcorp
Classification: Likely benign for Tuberous sclerosis 2. Last evaluated: 2024-05-08. Review status: criteria provided, single submitter. Criteria: Invitae Variant Classification Sherloc (09022015). Collection method: clinical testing. Allele origin: germline.

Genome-Nilou Lab
Classification: Benign for Tuberous sclerosis 2. Last evaluated: 2021-11-07. Review status: criteria provided, single submitter. Criteria: ACMG Guidelines, 2015. Collection method: clinical testing. Allele origin: germline. Affected: no.

Ambry Genetics
Classification: Likely benign for Hereditary cancer-predisposing syndrome. Last evaluated: 2019-06-21. Review status: criteria provided, single submitter. Criteria: Ambry Variant Classification Scheme 2023. Collection method: clinical testing. Allele origin: germline.